The following is an entry in ClinVar:

ClinVar aggregate classification (germline): Uncertain significance (1 of 4 stars; one submission).

Conditions:
Inborn genetic diseases. Identifiers: MedGen C0950123, MeSH D030342.

Submission:

Ambry Genetics
Classification: Uncertain significance for Inborn genetic diseases. Last evaluated: 2022-11-23. Review status: criteria provided, single submitter. Criteria: Ambry Variant Classification Scheme 2023. Collection method: clinical testing. Allele origin: germline.
Comment: The p.G2270D variant (also known as c.6809G>A), located in coding exon 46 of the LRRK2 gene, results from a G to A substitution at nucleotide position 6809. The glycine at codon 2270 is replaced by aspartic acid, an amino acid with similar properties. This amino acid position is conserved. In addition, this alteration is predicted to be deleterious by in silico analysis. Since supporting evidence is limited at this time, the clinical significance of this alteration remains unclear.

NM_198578.4(LRRK2):c.6809G>A (p.Gly2270Asp)

Gene: LRRK2 (leucine rich repeat kinase 2; plus strand). Cytogenetic location: 12q12.
Variant type: single nucleotide variant.
Coding change: c.6809G>A on transcript NM_198578.4 (MANE Select); coding-DNA position 6809, G replaced by A.
Protein change: p.Gly2270Asp; replaces glycine 2270 with aspartic acid.
Molecular consequence: missense variant.
Genome position (GRCh38, 1-based): chr12:40,356,153, G>A. VCF-style: chr12-40356153-G-A. GRCh37 (hg19) VCF-style: chr12-40749955-G-A.
Other names: short protein forms G2270D.
Identifiers: ClinVar variation 2447289 (VCV002447289.2), dbSNP rs2500000513, ClinGen allele CA384410162.